The following is an entry in ClinVar:

NM_000051.4(ATM):c.2362A>G (p.Ser788Gly)

Gene: ATM (ATM serine/threonine kinase; plus strand). Cytogenetic location: 11q22.3.
Variant type: single nucleotide variant.
Coding change: c.2362A>G on transcript NM_000051.4 (MANE Select); coding-DNA position 2362, A replaced by G.
Protein change: p.Ser788Gly; replaces serine 788 with glycine.
Molecular consequence: missense variant.
Genome position (GRCh38, 1-based): chr11:108,257,592, A>G. VCF-style: chr11-108257592-A-G. GRCh37 (hg19) VCF-style: chr11-108128319-A-G.
Other names: c.2362A>G (NM_000051.3); c.2362A>G, p.Ser788Gly (NM_001351834.2); short protein forms S788G.
Identifiers: ClinVar variation 1404491 (VCV001404491.9), dbSNP rs641252, ClinGen allele CA382540325.
Genomic context (GRCh38, chr11:108,257,592, plus strand): 5'-AATGAGGAATTCAGAATTGGTTCCTTGAGAAATATGATGCAGCTATGTACACGTTGCTTG[A>G]GCAACTGTACCAAGGTAAGATTTTCTTCTTCTTGTTTTGTTTTTTGAGATAGGATCTTTC-3'
Protein context (NP_000042.3, residues 778-798): NMMQLCTRCL[Ser788Gly]NCTKKSPNKI

ClinVar aggregate classification (germline): Uncertain significance. Review status: criteria provided, multiple submitters, no conflicts (2 of 4 stars). 2 submissions from 2 submitters: Uncertain significance (2). Last evaluated 2024-05-20.

Conditions:
Ataxia-telangiectasia syndrome (AT). Also called: Ataxia-telangiectasia, complementation group D; AT, COMPLEMENTATION GROUP C; Ataxia-telangiectasia; Ataxia telangiectasia (A-T); Ataxia-telangiectasia, complementation group E; Cerebello-oculocutaneous telangiectasia. Identifiers: Orphanet 100, MedGen C0004135, MONDO:0008840, OMIM 208900.
Hereditary cancer-predisposing syndrome. Also called: Neoplastic Syndromes, Hereditary; Hereditary neoplastic syndrome; Hereditary Cancer Syndrome; Tumor predisposition. Identifiers: Orphanet 140162, MedGen C0027672, MeSH D009386, MONDO:0015356.

gnomAD v4.1: 2 of 1,613,806 alleles (0.00012%); highest among the groups gnomAD compares: African/African-American, 0.0013%; no homozygotes.

Submissions (2):

Ambry Genetics
Classification: Uncertain significance for Hereditary cancer-predisposing syndrome. Last evaluated: 2024-05-20. Review status: criteria provided, single submitter. Criteria: Ambry Variant Classification Scheme 2023. Collection method: clinical testing. Allele origin: germline.
Comment: The p.S788G variant (also known as c.2362A>G), located in coding exon 14 of the ATM gene, results from an A to G substitution at nucleotide position 2362. The serine at codon 788 is replaced by glycine, an amino acid with similar properties. This amino acid position is poorly conserved in available vertebrate species. In addition, this alteration is predicted to be tolerated by in silico analysis. Based on the available evidence, the clinical significance of this variant remains unclear.

Labcorp Genetics (formerly Invitae), Labcorp
Classification: Uncertain significance for Ataxia-telangiectasia syndrome. Last evaluated: 2021-07-06. Review status: criteria provided, single submitter. Criteria: Invitae Variant Classification Sherloc (09022015). Collection method: clinical testing. Allele origin: germline.
Comment: This variant is not present in population databases (ExAC no frequency). Advanced modeling of protein sequence and biophysical properties (such as structural, functional, and spatial information, amino acid conservation, physicochemical variation, residue mobility, and thermodynamic stability) performed at Invitae indicates that this missense variant is not expected to disrupt ATM protein function. This variant has not been reported in the literature in individuals affected with ATM-related conditions. In summary, the available evidence is currently insufficient to determine the role of this variant in disease. Therefore, it has been classified as a Variant of Uncertain Significance. This sequence change replaces serine with glycine at codon 788 of the ATM protein (p.Ser788Gly). The serine residue is weakly conserved and there is a small physicochemical difference between serine and glycine.